The following is an entry in ClinVar:

NM_002354.3(EPCAM):c.274G>T (p.Asp92Tyr)

Gene: EPCAM (epithelial cell adhesion molecule; plus strand). Cytogenetic location: 2p21.
Variant type: single nucleotide variant.
Coding change: c.274G>T on transcript NM_002354.3 (MANE Select); coding-DNA position 274, G replaced by T.
Protein change: p.Asp92Tyr; replaces aspartic acid 92 with tyrosine.
Molecular consequence: missense variant.
Genome position (GRCh38, 1-based): chr2:47,373,897, G>T. VCF-style: chr2-47373897-G-T. GRCh37 (hg19) VCF-style: chr2-47601036-G-T.
Other names: short protein forms D92Y.
Identifiers: ClinVar variation 4018567 (VCV004018567.1).

ClinVar aggregate classification (germline): Uncertain significance (1 of 4 stars; one submission).

Conditions:
Hereditary cancer-predisposing syndrome. Also called: Tumor predisposition; Hereditary neoplastic syndrome; Neoplastic Syndromes, Hereditary; Hereditary Cancer Syndrome. Identifiers: Orphanet 140162, MedGen C0027672, MeSH D009386, MONDO:0015356.

Submission:

Ambry Genetics
Classification: Uncertain significance for Hereditary cancer-predisposing syndrome. Last evaluated: 2025-04-05. Review status: criteria provided, single submitter. Criteria: Ambry Variant Classification Scheme 2023. Collection method: clinical testing. Allele origin: germline.
Comment: The p.D92Y variant (also known as c.274G>T), located in coding exon 3 of the EPCAM gene, results from a G to T substitution at nucleotide position 274. The aspartic acid at codon 92 is replaced by tyrosine, an amino acid with highly dissimilar properties. This amino acid position is conserved. In addition, this alteration is predicted to be deleterious by in silico analysis. Based on the available evidence, the clinical significance of this variant remains unclear.